The following is an entry in ClinVar:

ClinVar aggregate classification (germline): Pathogenic (1 of 4 stars; one submission).

Submission:

Labcorp Genetics (formerly Invitae), Labcorp
Classification: Pathogenic. Last evaluated: 2022-08-03. Review status: criteria provided, single submitter. Criteria: Invitae Variant Classification Sherloc (09022015). Collection method: clinical testing. Allele origin: germline.
Comment: For these reasons, this variant has been classified as Pathogenic. ClinVar contains an entry for this variant (Variation ID: 1426812). This variant has not been reported in the literature in individuals affected with RBP3-related conditions. This variant is not present in population databases (gnomAD no frequency). This sequence change creates a premature translational stop signal (p.Met859Cysfs*38) in the RBP3 gene. It is expected to result in an absent or disrupted protein product. Loss-of-function variants in RBP3 are known to be pathogenic (PMID: 9614228, 23105016, 25766589).

Literature cited by the submitters: PubMed 9614228; PubMed 23105016; PubMed 25766589.

NM_002900.3(RBP3):c.2575_2584del (p.Met859fs)

Gene: RBP3 (retinol binding protein 3; plus strand). Cytogenetic location: 10q11.22.
Variant type: Deletion.
Coding change: c.2575_2584del on transcript NM_002900.3 (MANE Select); coding-DNA positions 2575 to 2584, 10 bases deleted (ATGCAGGACC; older notation c.2575_2584delATGCAGGACC).
Protein change: p.Met859fs; shifts the reading frame from methionine 859.
Molecular consequence: frameshift variant.
Genome position (GRCh38, 1-based): chr10:47,351,059-47,351,068, ATGCAGGACC deleted; deleting any 10 consecutive bases within chr10:47,351,056-47,351,068 gives the same sequence; the c. name uses the placement nearest the transcript's 3' end. VCF-style (leftmost placement, unchanged base first): chr10-47351055-CACCATGCAGG-C. GRCh37 (hg19) VCF-style: chr10-48388293-AGGTCCTGCAT-A.
Other names: short protein forms M859fs.
Identifiers: ClinVar variation 1426812 (VCV001426812.6), dbSNP rs2132255385, ClinGen allele CA2573145109.